The following is an entry in ClinVar:

ClinVar aggregate classification (germline): Uncertain significance (1 of 4 stars; one submission).

Allele frequency attached by ClinVar (database versions not stated): gnomAD 0.00001; gnomAD exomes 0.00002; TOPMed below 0.00001; ExAC 0.00001.
gnomAD v4.1: 27 of 1,613,954 alleles (0.0017%); highest among the groups gnomAD compares: African/African-American, 0.0053%; no homozygotes.

Submission:

Labcorp Genetics (formerly Invitae), Labcorp
Classification: Uncertain significance. Last evaluated: 2025-02-19. Review status: criteria provided, single submitter. Criteria: Invitae Variant Classification Sherloc (09022015). Collection method: clinical testing. Allele origin: germline.
Comment: This sequence change replaces alanine, which is neutral and non-polar, with valine, which is neutral and non-polar, at codon 447 of the TNFAIP3 protein (p.Ala447Val). This variant is present in population databases (rs778782828, gnomAD 0.003%). This variant has not been reported in the literature in individuals affected with TNFAIP3-related conditions. ClinVar contains an entry for this variant (Variation ID: 2978555). Invitae Evidence Modeling of protein sequence and biophysical properties (such as structural, functional, and spatial information, amino acid conservation, physicochemical variation, residue mobility, and thermodynamic stability) indicates that this missense variant is not expected to disrupt TNFAIP3 protein function with a negative predictive value of 80%. In summary, the available evidence is currently insufficient to determine the role of this variant in disease. Therefore, it has been classified as a Variant of Uncertain Significance.

NM_001270508.2(TNFAIP3):c.1340C>T (p.Ala447Val)

Gene: TNFAIP3 (TNF alpha induced protein 3; plus strand). Cytogenetic location: 6q23.3.
Variant type: single nucleotide variant.
Coding change: c.1340C>T on transcript NM_001270508.2 (MANE Select); coding-DNA position 1340, C replaced by T.
Protein change: p.Ala447Val; replaces alanine 447 with valine.
Molecular consequence: missense variant.
Genome position (GRCh38, 1-based): chr6:137,878,785, C>T. VCF-style: chr6-137878785-C-T. GRCh37 (hg19) VCF-style: chr6-138199922-C-T.
Other names: c.1340C>T, p.Ala447Val (NM_001270507.2, NM_006290.4); short protein forms A447V.
Identifiers: ClinVar variation 2978555 (VCV002978555.3), dbSNP rs778782828, ClinGen allele CA4019621.